The following is an entry in ClinVar:

NM_002474.3(MYH11):c.4791+1G>A

Genes: MYH11 (myosin heavy chain 11; minus strand), NDE1 (nudE neurodevelopment protein 1; plus strand). Cytogenetic location: 16p13.11.
Variant type: single nucleotide variant.
Coding change: c.4791+1G>A on transcript NM_002474.3 (MANE Select); the canonical splice donor site of the intron after coding-DNA position 4791, G replaced by A.
Molecular consequence: splice donor variant. On other transcripts: intron variant (2).
Genome position (GRCh38, 1-based): chr16:15,720,838, C>T on the plus strand (G>A on the coding strand, the complement: MYH11 is on the minus strand). VCF-style: chr16-15720838-C-T. GRCh37 (hg19) VCF-style: chr16-15814695-C-T.
Other names: c.948-3353C>T (NM_001143979.2, NM_017668.3); c.4791+1G>A (NM_022844.3); c.4812+1G>A (NM_001040114.2, NM_001040113.2).
Identifiers: ClinVar variation 4756946 (VCV004756946.1).
Genomic context (GRCh38, chr16:15,720,838, plus strand): 5'-GGTGATAGGAATGAAAAAGGCCACCCGACCTCCCTCTGCTGGCCTCCCCGGCAGCACGCA[C>T]CTGTCTCTGCAGTTGCCTCCTCTTCTCCTCATTCTGCTCGTCCCGGGCTTGGAGATCCCT-3'

ClinVar aggregate classification (germline): Uncertain significance (1 of 4 stars; one submission).

Conditions:
Familial thoracic aortic aneurysm and aortic dissection (TAAD). Also called: Thoracic aortic aneurysms and dissections. Identifiers: Orphanet 91387, MedGen C4707243, MONDO:0019625.

gnomAD v4.1: 1 of 1,613,370 alleles (0.000062%); highest among the groups gnomAD compares: Admixed American, 0.0017%; no homozygotes.

Submission:

Color Diagnostics, LLC DBA Color Health
Classification: Uncertain significance for Familial thoracic aortic aneurysm and aortic dissection. Last evaluated: 2025-07-03. Review status: criteria provided, single submitter. Criteria: ACMG Guidelines, 2015. Collection method: clinical testing. Allele origin: germline.
Comment: This variant causes a G to A nucleotide substitution at the +1 position of intron 34 of the MYH11 gene. Splice site prediction tools suggest that this variant may have a significant impact on RNA splicing. Although this prediction has not been confirmed in published RNA studies, this variant is expected to result in an absent or disrupted protein product. This variant has not been reported in individuals affected with MYH11-related disorders in the literature. This variant has been identified in 1/251048 chromosomes in the general population by the Genome Aggregation Database (gnomAD). Clinical relevance of loss-of-function MYH11 truncation and splice variants in autosomal dominant cardiovascular disorders is not clearly established. The available evidence is insufficient to determine the role of this variant in disease conclusively. Therefore, this variant is classified as a Variant of Uncertain Significance.